The following is an entry in ClinVar:

ClinVar aggregate classification (germline): Uncertain significance (1 of 4 stars; one submission).

Submission:

GeneDx
Classification: Uncertain significance. Last evaluated: 2024-03-19. Review status: criteria provided, single submitter. Criteria: GeneDx Variant Classification Process June 2021. Collection method: clinical testing. Allele origin: germline.
Comment: Not observed at significant frequency in large population cohorts (gnomAD); In silico analysis supports a deleterious effect on splicing; Has not been previously published as pathogenic or benign to our knowledge

NM_001845.6(COL4A1):c.2194-11G>A

Gene: COL4A1 (collagen type IV alpha 1 chain; minus strand). Cytogenetic location: 13q34.
Variant type: single nucleotide variant.
Coding change: c.2194-11G>A on transcript NM_001845.6 (MANE Select); 11 bases into the intron before coding-DNA position 2194, G replaced by A.
Molecular consequence: intron variant.
Genome position (GRCh38, 1-based): chr13:110,179,432, C>T on the plus strand (G>A on the coding strand, the complement: COL4A1 is on the minus strand). VCF-style: chr13-110179432-C-T. GRCh37 (hg19) VCF-style: chr13-110831779-C-T.
Identifiers: ClinVar variation 2501947 (VCV002501947.2), dbSNP rs2501783892, ClinGen allele CA2580616536.
Genomic context (GRCh38, chr13:110,179,432, plus strand): 5'-GGAAGACCTGGCAAACCTTTGAGTCCCGGTAGACCAACTCCAGGCTCTCCCTGAAAATCC[C>T]CAAAGCACAGAGAAGCAAATTGATTTGCAAAGTCAGTATTTTTATCAAACCAATAGCGTA-3'